The following is an entry in ClinVar:

NM_003482.4(KMT2D):c.3361del (p.Asp1121fs)

Gene: KMT2D (lysine methyltransferase 2D; minus strand). Cytogenetic location: 12q13.12.
Variant type: Deletion.
Coding change: c.3361del on transcript NM_003482.4 (MANE Select); coding-DNA position 3361, one base deleted (G; older notation c.3361delG).
Protein change: p.Asp1121fs; shifts the reading frame from aspartic acid 1121.
Molecular consequence: frameshift variant.
Genome position (GRCh38, 1-based): chr12:49,050,227, C deleted on the plus strand (G on the coding strand, the reverse complement: KMT2D is on the minus strand). VCF-style (leftmost placement, unchanged base first): chr12-49050226-TC-T. GRCh37 (hg19) VCF-style: chr12-49444009-TC-T.
Other names: short protein forms D1121fs.
Identifiers: ClinVar variation 1076682 (VCV001076682.7), dbSNP rs2120647463, ClinGen allele CA2499221719.

ClinVar aggregate classification (germline): Pathogenic (1 of 4 stars; one submission).

Conditions:
Kabuki syndrome. Also called: Kabuki make-up syndrome; NIIKAWA-KUROKI SYNDROME. Identifiers: Orphanet 2322, MedGen C0796004, MONDO:0016512.

Submission:

Labcorp Genetics (formerly Invitae), Labcorp
Classification: Pathogenic for Kabuki syndrome. Last evaluated: 2022-07-25. Review status: criteria provided, single submitter. Criteria: Invitae Variant Classification Sherloc (09022015). Collection method: clinical testing. Allele origin: germline.
Comment: For these reasons, this variant has been classified as Pathogenic. ClinVar contains an entry for this variant (Variation ID: 1076682). This variant has not been reported in the literature in individuals affected with KMT2D-related conditions. This variant is not present in population databases (gnomAD no frequency). This sequence change creates a premature translational stop signal (p.Asp1121Thrfs*43) in the KMT2D gene. It is expected to result in an absent or disrupted protein product. Loss-of-function variants in KMT2D are known to be pathogenic (PMID: 22126750).

Literature cited by the submitters: PubMed 22126750.